The following is an entry in ClinVar:

ClinVar aggregate classification (germline): Uncertain significance (1 of 4 stars; one submission).

Conditions:
EGFR-related lung cancer (EGFR). Identifiers: MedGen CN130014.

Submission:

Labcorp Genetics (formerly Invitae), Labcorp
Classification: Uncertain significance for EGFR-related lung cancer. Last evaluated: 2024-04-10. Review status: criteria provided, single submitter. Criteria: Invitae Variant Classification Sherloc (09022015). Collection method: clinical testing. Allele origin: germline.
Comment: This sequence change replaces proline, which is neutral and non-polar, with arginine, which is basic and polar, at codon 1073 of the EGFR protein (p.Pro1073Arg). This variant is not present in population databases (gnomAD no frequency). This variant has not been reported in the literature in individuals affected with EGFR-related conditions. ClinVar contains an entry for this variant (Variation ID: 2088422). An algorithm developed to predict the effect of missense changes on protein structure and function (PolyPhen-2) suggests that this variant is likely to be disruptive. In summary, the available evidence is currently insufficient to determine the role of this variant in disease. Therefore, it has been classified as a Variant of Uncertain Significance.

NM_005228.5(EGFR):c.3218C>G (p.Pro1073Arg)

Gene: EGFR (epidermal growth factor receptor; plus strand). Cytogenetic location: 7p11.2.
Variant type: single nucleotide variant.
Coding change: c.3218C>G on transcript NM_005228.5 (MANE Select); coding-DNA position 3218, C replaced by G.
Protein change: p.Pro1073Arg; replaces proline 1073 with arginine.
Molecular consequence: missense variant.
Genome position (GRCh38, 1-based): chr7:55,202,572, C>G. VCF-style: chr7-55202572-C-G. GRCh37 (hg19) VCF-style: chr7-55270265-C-G.
Other names: c.3083C>G, p.Pro1028Arg (NM_001346897.2, NM_001346899.2); c.3218C>G, p.Pro1073Arg (NM_001346898.2); c.3059C>G, p.Pro1020Arg (NM_001346900.2); c.2417C>G, p.Pro806Arg (NM_001346941.2); short protein forms P1028R, P1073R, P1020R, P806R.
Identifiers: ClinVar variation 2088422 (VCV002088422.4), dbSNP rs2128973093, ClinGen allele CA367583365.